The following is an entry in ClinVar:

NM_001267550.2(TTN):c.55991C>T (p.Ala18664Val)

Genes: TTN (titin; minus strand), TTN-AS1 (TTN antisense RNA 1; plus strand). Cytogenetic location: 2q31.2.
Variant type: single nucleotide variant.
Coding change: c.55991C>T on transcript NM_001267550.2 (MANE Select); coding-DNA position 55991, C replaced by T.
Protein change: p.Ala18664Val; replaces alanine 18664 with valine.
Molecular consequence: missense variant.
Genome position (GRCh38, 1-based): chr2:178,600,913, G>A on the plus strand (C>T on the coding strand, the complement: TTN is on the minus strand). VCF-style: chr2-178600913-G-A. GRCh37 (hg19) VCF-style: chr2-179465640-G-A.
Other names: p.Ala17023Val; c.51068C>T, p.Ala17023Val (NM_001256850.1); c.28796C>T, p.Ala9599Val (NM_003319.4); c.48287C>T, p.Ala16096Val (NM_133378.4); c.29171C>T, p.Ala9724Val (NM_133432.3); c.29372C>T, p.Ala9791Val (NM_133437.4); short protein forms A18664V, A16096V, A9599V, A9724V, A17023V, A9791V.
Identifiers: ClinVar variation 1797132 (VCV001797132.3), dbSNP rs2053240638, ClinGen allele CA349535936.

ClinVar aggregate classification (germline): Uncertain significance. Review status: criteria provided, multiple submitters, no conflicts (2 of 4 stars). 2 submissions from 2 submitters: Uncertain significance (2). Last evaluated 2022-03-29.

Conditions:
Cardiovascular phenotype. Identifiers: MedGen CN230736.

Submissions (2):

Mayo Clinic Laboratories, Mayo Clinic
Classification: Uncertain significance. Last evaluated: 2022-03-29. Review status: criteria provided, single submitter. Criteria: ACMG Guidelines, 2015. Collection method: clinical testing. Allele origin: germline. Observed: 1 variant allele.
Comment: BP1, BP4, PM2_supporting

Ambry Genetics
Classification: Uncertain significance for Cardiovascular phenotype. Last evaluated: 2020-01-03. Review status: criteria provided, single submitter. Criteria: Ambry Variant Classification Scheme 2023. Collection method: clinical testing. Allele origin: germline.
Comment: The p.A9599V variant (also known as c.28796C>T), located in coding exon 115 of the TTN gene, results from a C to T substitution at nucleotide position 28796. The alanine at codon 9599 is replaced by valine, an amino acid with similar properties. This amino acid position is not well conserved in available vertebrate species. In addition, this alteration is predicted to be tolerated by in silico analysis. Since supporting evidence is limited at this time, the clinical significance of this alteration remains unclear.